The following is an entry in ClinVar:

NM_012186.3(FOXE3):c.526_539del (p.Ala176fs)

Genes: FOXE3 (forkhead box E3; plus strand), LINC01389 (long independently transcribed non-coding RNA 1389; minus strand). Cytogenetic location: 1p33.
Variant type: Deletion.
Coding change: c.526_539del on transcript NM_012186.3 (MANE Select); coding-DNA positions 526 to 539, 14 bases deleted (GCGGCCGCGGCGCC).
Protein change: p.Ala176fs; shifts the reading frame from alanine 176.
Molecular consequence: frameshift variant.
Genome position (GRCh38, 1-based): chr1:47,416,841-47,416,854, GCGGCCGCGGCGCC deleted; deleting any 14 consecutive bases within chr1:47,416,840-47,416,854 gives the same sequence; the c. name uses the placement nearest the transcript's 3' end. VCF-style (leftmost placement, unchanged base first): chr1-47416839-ACGCGGCCGCGGCGC-A. GRCh37 (hg19) VCF-style: chr1-47882511-ACGCGGCCGCGGCGC-A.
Other names: c.526_539del14 (NM_012186.2); short protein forms A176fs.
Identifiers: ClinVar variation 1076197 (VCV001076197.11), dbSNP rs2124043258, ClinGen allele CA2499214803.

ClinVar aggregate classification (germline): Conflicting classifications of pathogenicity. Review status: criteria provided, conflicting classifications (1 of 4 stars). 2 submissions from 2 submitters: Pathogenic (1); Uncertain significance (1). Last evaluated 2023-07-07.

Conditions:
Anterior segment dysgenesis. Also called: Ocular anterior segment dysgenesis. Identifiers: Orphanet 88632, MedGen C1862839, MONDO:0019503, HP:0007700.
Congenital primary aphakia. Also called: Anterior segment dysgenesis 2, multiple subtypes; ANTERIOR SEGMENT DYSGENESIS 2. Identifiers: Orphanet 83461, MedGen C1853230, MONDO:0012456, OMIM 610256.
Cardiovascular phenotype. Identifiers: MedGen CN230736.

Submissions (2):

Ambry Genetics
Classification: Uncertain significance for Cardiovascular phenotype. Last evaluated: 2023-07-07. Review status: criteria provided, single submitter. Criteria: Ambry Variant Classification Scheme 2023. Collection method: clinical testing. Allele origin: germline.
Comment: The c.526_539del14 variant, located in coding exon 1 of the FOXE3 gene, results from a deletion of 14 nucleotides at nucleotide positions 526 to 539, causing a translational frameshift with a predicted alternate stop codon (p.A176Rfs*104). This alteration is not expected to trigger nonsense-mediated mRNA decay and only impacts the last 45% of the protein. However, premature stop codons are typically deleterious in nature and a significant portion of the protein is affected (Ambry internal data). Although biallelic loss of function alterations in FOXE3 have been associated with autosomal recessive FOXE3-related ocular developmental disorder, haploinsufficiency for FOXE3 has not been clearly established as a mechanism of disease for autosomal dominant FOXE3-related ocular developmental disorder. Based on the supporting evidence, this variant is expected to be causative of autosomal recessive FOXE3-related ocular developmental disorder when present along with a second pathogenic variant on the other allele; however, its clinical significance for autosomal dominant FOXE3-related ocular developmental disorder is unclear.

Labcorp Genetics (formerly Invitae), Labcorp
Classification: Pathogenic for Anterior segment dysgenesis; Congenital primary aphakia. Last evaluated: 2020-09-21. Review status: criteria provided, single submitter. Criteria: Invitae Variant Classification Sherloc (09022015). Collection method: clinical testing. Allele origin: germline.
Comment: For these reasons, this variant has been classified as Pathogenic. This variant disrupts the C-terminus of the FOXE3 protein. Other variant(s) that disrupt this region (p.Cys240*) have been determined to be pathogenic (PMID: 16826526, 20140963, 24033328). This suggests that variants that disrupt this region of the protein are likely to be causative of disease. This variant has been observed in individual(s) with clinical features of thoracic aortic aneurysm and/or dissection (Invitae). The frequency data for this variant in the population databases is considered unreliable, as metrics indicate insufficient coverage at this position in the ExAC database. This sequence change results in a premature translational stop signal in the FOXE3 gene (p.Ala176Argfs*104). While this is not anticipated to result in nonsense mediated decay, it is expected to disrupt the last 144 amino acids of the FOXE3 protein.

Literature cited by the submitters: PubMed 16826526 (cited by Labcorp Genetics (formerly Invitae), Labcorp); PubMed 20140963 (cited by Labcorp Genetics (formerly Invitae), Labcorp); PubMed 24033328 (cited by Labcorp Genetics (formerly Invitae), Labcorp).